The following is an entry in ClinVar:

NM_000545.8(HNF1A):c.1240_1243delinsCCA (p.Ile414fs)

Gene: HNF1A (HNF1 homeobox A; plus strand). Cytogenetic location: 12q24.31.
Variant type: Indel.
Coding change: c.1240_1243delinsCCA on transcript NM_000545.8 (MANE Select); coding-DNA positions 1240 to 1243, ATCG replaced by CCA.
Protein change: p.Ile414fs; shifts the reading frame from isoleucine 414.
Molecular consequence: frameshift variant.
Genome position (GRCh38, 1-based): chr12:120,996,673-120,996,676, ATCG replaced by CCA. VCF-style: chr12-120996673-ATCG-CCA. GRCh37 (hg19) VCF-style: chr12-121434476-ATCG-CCA.
Other names: c.1240_1243delinsCCA, p.Ile414fs (NM_001306179.2, NM_001406915.1); short protein forms I414fs.
Identifiers: ClinVar variation 4887996 (VCV004887996.1).

ClinVar aggregate classification (germline): Pathogenic (1 of 4 stars; one submission).

Conditions:
Retinal disorder. Also called: Retinopathy; Retinopathies; Retinal Diseases; Retinal disorders. Identifiers: MedGen C0035309, MONDO:0005283, HP:0000488.

Submission:

North West Genomic Laboratory Hub, Manchester University NHS Foundation Trust
Classification: Pathogenic for Retinal disorders. Last evaluated: 2026-03-05. Review status: criteria provided, single submitter. Criteria: ACGS Best Practice Guidelines for Variant Classification in Rare Disease 2024. Collection method: clinical testing. Allele origin: germline. Affected: yes.
Comment: PVS1_VStr PM2_Mod PS4_Supp